The following is an entry in ClinVar:

NM_000038.6(APC):c.3002C>T (p.Pro1001Leu)

Gene: APC (APC regulator of Wnt signaling pathway; plus strand). Cytogenetic location: 5q22.2.
Variant type: single nucleotide variant.
Coding change: c.3002C>T on transcript NM_000038.6 (MANE Select); coding-DNA position 3002, C replaced by T.
Protein change: p.Pro1001Leu; replaces proline 1001 with leucine.
Molecular consequence: missense variant.
Genome position (GRCh38, 1-based): chr5:112,838,596, C>T. VCF-style: chr5-112838596-C-T. GRCh37 (hg19) VCF-style: chr5-112174293-C-T.
Other names: c.3002C>T, p.Pro1001Leu (NM_001127510.3, NM_001354895.2, NM_001407450.1); c.2948C>T, p.Pro983Leu (NM_001127511.3); c.3056C>T, p.Pro1019Leu (NM_001354896.2, NM_001407447.1, NM_001407448.1 and 1 more transcripts); c.3032C>T, p.Pro1011Leu (NM_001354897.2); c.2927C>T, p.Pro976Leu (NM_001354898.2); c.2918C>T, p.Pro973Leu (NM_001354899.2); c.2879C>T, p.Pro960Leu (NM_001354900.2); c.2825C>T, p.Pro942Leu (NM_001354901.2, NM_001407453.1); and 11 more; short protein forms P1019L, P1029L, P910L, P942L, P976L, P983L, P1001L, P617L.
Identifiers: ClinVar variation 1798712 (VCV001798712.2), dbSNP rs2149882050, ClinGen allele CA16027903.

ClinVar aggregate classification (germline): Uncertain significance (1 of 4 stars; one submission).

Conditions:
Hereditary cancer-predisposing syndrome. Also called: Neoplastic Syndromes, Hereditary; Tumor predisposition; Hereditary Cancer Syndrome; Hereditary neoplastic syndrome. Identifiers: Orphanet 140162, MedGen C0027672, MeSH D009386, MONDO:0015356.

Submission:

Ambry Genetics
Classification: Uncertain significance for Hereditary cancer-predisposing syndrome. Last evaluated: 2020-11-23. Review status: criteria provided, single submitter. Criteria: Ambry Variant Classification Scheme 2023. Collection method: clinical testing. Allele origin: germline.
Comment: The p.P1001L variant (also known as c.3002C>T), located in coding exon 15 of the APC gene, results from a C to T substitution at nucleotide position 3002. The proline at codon 1001 is replaced by leucine, an amino acid with similar properties. This amino acid position is highly conserved in available vertebrate species. In addition, in silico predictors for this gene do not accurately predict pathogenicity. Since supporting evidence is limited at this time, the clinical significance of this alteration remains unclear.